The following is an entry in ClinVar:

NM_000051.4(ATM):c.1300C>G (p.Pro434Ala)

Gene: ATM (ATM serine/threonine kinase; plus strand). Cytogenetic location: 11q22.3.
Variant type: single nucleotide variant.
Coding change: c.1300C>G on transcript NM_000051.4 (MANE Select); coding-DNA position 1300, C replaced by G.
Protein change: p.Pro434Ala; replaces proline 434 with alanine.
Molecular consequence: missense variant.
Genome position (GRCh38, 1-based): chr11:108,250,765, C>G. VCF-style: chr11-108250765-C-G. GRCh37 (hg19) VCF-style: chr11-108121492-C-G.
Other names: c.1300C>G, p.Pro434Ala (NM_001351834.2); short protein forms P434A.
Identifiers: ClinVar variation 490418 (VCV000490418.18), dbSNP rs1064795171, ClinGen allele CA382533581.

ClinVar aggregate classification (germline): Uncertain significance. Review status: criteria provided, multiple submitters, no conflicts (2 of 4 stars). 7 submissions from 7 submitters: Uncertain significance (7). Last evaluated 2025-06-07.

Conditions:
Ataxia-telangiectasia syndrome (AT). Also called: Cerebello-oculocutaneous telangiectasia; Immunodeficiency with ataxia telangiectasia; Ataxia-telangiectasia; Ataxia-telangiectasia, complementation group D; AT, COMPLEMENTATION GROUP C; ATAXIA-TELANGIECTASIA, COMPLEMENTATION GROUP A. Identifiers: Orphanet 100, MedGen C0004135, MONDO:0008840, OMIM 208900.
Hereditary cancer-predisposing syndrome. Also called: Tumor predisposition; Hereditary Cancer Syndrome; Neoplastic Syndromes, Hereditary; Hereditary neoplastic syndrome. Identifiers: Orphanet 140162, MedGen C0027672, MeSH D009386, MONDO:0015356.

Allele frequency attached by ClinVar (database versions not stated): gnomAD exomes below 0.00001.
gnomAD v4.1: 2 of 1,612,822 alleles (0.00012%); highest among the groups gnomAD compares: Admixed American, 0.0017%; no homozygotes.

Submissions (7):

Ambry Genetics
Classification: Uncertain significance for Hereditary cancer-predisposing syndrome. Last evaluated: 2025-06-07. Review status: criteria provided, single submitter. Criteria: Ambry Variant Classification Scheme 2023. Collection method: clinical testing. Allele origin: germline.
Comment: The p.P434A variant (also known as c.1300C>G), located in coding exon 9 of the ATM gene, results from a C to G substitution at nucleotide position 1300. The proline at codon 434 is replaced by alanine, an amino acid with highly similar properties. This amino acid position is conserved. In addition, this alteration is predicted to be tolerated by in silico analysis. Since supporting evidence is limited at this time, the clinical significance of this alteration remains unclear.

Labcorp Genetics (formerly Invitae), Labcorp
Classification: Uncertain significance for Ataxia-telangiectasia syndrome. Last evaluated: 2024-11-08. Review status: criteria provided, single submitter. Criteria: Invitae Variant Classification Sherloc (09022015). Collection method: clinical testing. Allele origin: germline.
Comment: This sequence change replaces proline, which is neutral and non-polar, with alanine, which is neutral and non-polar, at codon 434 of the ATM protein (p.Pro434Ala). This variant is not present in population databases (gnomAD no frequency). This variant has not been reported in the literature in individuals affected with ATM-related conditions. ClinVar contains an entry for this variant (Variation ID: 490418). Invitae Evidence Modeling of protein sequence and biophysical properties (such as structural, functional, and spatial information, amino acid conservation, physicochemical variation, residue mobility, and thermodynamic stability) indicates that this missense variant is not expected to disrupt ATM protein function with a negative predictive value of 95%. In summary, the available evidence is currently insufficient to determine the role of this variant in disease. Therefore, it has been classified as a Variant of Uncertain Significance.

Color Diagnostics, LLC DBA Color Health
Classification: Uncertain significance for Hereditary cancer-predisposing syndrome. Last evaluated: 2023-12-05. Review status: criteria provided, single submitter. Criteria: ACMG Guidelines, 2015. Collection method: clinical testing. Allele origin: germline.
Comment: This missense variant replaces proline with alanine at codon 434 of the ATM protein. Computational prediction suggests that this variant may not impact protein structure and function (internally defined REVEL score threshold <= 0.5, PMID: 27666373). To our knowledge, functional studies have not been reported for this variant. This variant has not been reported in individuals affected with ATM-related disorders in the literature. This variant has not been identified in the general population by the Genome Aggregation Database (gnomAD). The available evidence is insufficient to determine the role of this variant in disease conclusively. Therefore, this variant is classified as a Variant of Uncertain Significance.

Blueprint Genetics
Classification: Uncertain significance. Last evaluated: 2023-01-10. Review status: criteria provided, single submitter. Criteria: ACMG Guidelines, 2015. Collection method: clinical testing. Allele origin: germline.

GeneDx
Classification: Uncertain significance. Last evaluated: 2022-11-29. Review status: criteria provided, single submitter. Criteria: GeneDx Variant Classification Process June 2021. Collection method: clinical testing. Allele origin: germline. Affected: yes.
Comment: Not observed at significant frequency in large population cohorts (gnomAD); In silico analysis supports that this missense variant has a deleterious effect on protein structure/function; Has not been previously published as pathogenic or benign to our knowledge

Mendelics
Classification: Uncertain significance. Last evaluated: 2022-05-04. Review status: criteria provided, single submitter. Criteria: Mendelics Assertion Criteria 2019. Collection method: clinical testing. Allele origin: germline.

Women's Health and Genetics/Laboratory Corporation of America, LabCorp
Classification: Uncertain significance. Last evaluated: 2019-04-01. Review status: criteria provided, single submitter. Criteria: LabCorp Variant Classification Summary - May 2015. Collection method: clinical testing. Allele origin: germline.
Comment: Variant summary: ATM c.1300C>G (p.Pro434Ala) results in a non-conservative amino acid change in the encoded protein sequence. Four of five in-silico tools predict a benign effect of the variant on protein function. The variant was absent in 245856 control chromosomes (gnomAD). The available data on variant occurrences in the general population are insufficient to allow any conclusion about variant significance. To our knowledge, no occurrence of c.1300C>G in individuals affected with Ataxia-Telangiectasia and no experimental evidence demonstrating its impact on protein function have been reported. Two clinical diagnostic laboratories have submitted clinical-significance assessments for this variant to ClinVar after 2014 without evidence for independent evaluation. All laboratories classified the variant as uncertain significance. Based on the evidence outlined above, the variant was classified as uncertain significance.